The following is an entry in ClinVar:

NM_001370658.1(BTD):c.1399del (p.Trp467fs)

Gene: BTD (biotinidase; plus strand). Cytogenetic location: 3p25.1.
Variant type: Deletion.
Coding change: c.1399del on transcript NM_001370658.1 (MANE Select); coding-DNA position 1399, one base deleted (T; older notation c.1399delT).
Protein change: p.Trp467fs; shifts the reading frame from tryptophan 467.
Molecular consequence: frameshift variant. On other transcripts: intron variant (8).
Genome position (GRCh38, 1-based): chr3:15,645,315, T deleted. VCF-style (leftmost placement, unchanged base first): chr3-15645314-GT-G. GRCh37 (hg19) VCF-style: chr3-15686821-GT-G.
Other names: c.1459delT, p.Trp487Glyfs (NM_000060.4); c.1459del (NM_000060.4); c.1399del, p.Trp467fs (NM_001281723.4, NM_001281724.3, NM_001281725.3 and 16 more transcripts); c.1015+384del (NM_001370752.1, NM_001407379.1); c.399+3258del (NM_001370753.1, NM_001407400.1, NM_001407380.1 and 3 more transcripts); short protein forms W467fs.
Identifiers: ClinVar variation 25092 (VCV000025092.15), dbSNP rs397514423, ClinGen allele CA278346.

ClinVar aggregate classification (germline): Pathogenic/Likely pathogenic. Review status: criteria provided, multiple submitters, no conflicts (2 of 4 stars). 6 submissions from 6 submitters: Pathogenic (2); Likely pathogenic (2). 2 of the submissions do not count toward it. Last evaluated 2024-05-31.

Conditions:
BTD-related disorder. Also called: BTD-related condition.
Biotinidase deficiency. Also called: BTD deficiency; Late-onset biotin-responsive multiple carboxylase deficiency; Biotin deficiency. Identifiers: Orphanet 79241, MedGen C0220754, MONDO:0009665, OMIM 253260.

Allele frequency attached by ClinVar (database versions not stated): gnomAD exomes below 0.00001; gnomAD 0.00001; TOPMed 0.00001; ESP Exome Variant Server 0.00008.

Submissions (6):

Labcorp Genetics (formerly Invitae), Labcorp
Classification: Pathogenic for Biotinidase deficiency. Last evaluated: 2024-05-31. Review status: criteria provided, single submitter. Criteria: Invitae Variant Classification Sherloc (09022015). Collection method: clinical testing. Allele origin: germline.
Comment: This sequence change creates a premature translational stop signal (p.Trp487Glyfs*14) in the BTD gene. While this is not anticipated to result in nonsense mediated decay, it is expected to disrupt the last 57 amino acid(s) of the BTD protein. This variant is not present in population databases (gnomAD no frequency). This premature translational stop signal has been observed in individuals with biotinidase deficiency (PMID: 26810761). ClinVar contains an entry for this variant (Variation ID: 25092). This variant disrupts a region of the BTD protein in which other variant(s) (p.Asp543Glu) have been determined to be pathogenic (PMID: 25174816, 25967232, 28498829). This suggests that this is a clinically significant region of the protein, and that variants that disrupt it are likely to be disease-causing. For these reasons, this variant has been classified as Pathogenic.

Baylor Genetics
Classification: Likely pathogenic for Biotinidase deficiency. Last evaluated: 2024-01-02. Review status: criteria provided, single submitter. Criteria: ACMG Guidelines, 2015. Collection method: clinical testing. Allele origin: unknown.

PreventionGenetics, part of Exact Sciences
Classification: Pathogenic for BTD-related condition. Last evaluated: 2023-08-24. Review status: criteria provided, single submitter. Criteria: ACMG Guidelines, 2015. Collection method: clinical testing. Allele origin: germline.
Comment: The BTD c.1459delT variant is predicted to result in a frameshift and premature protein termination (p.Trp487Glyfs*14). This variant along with two other variants in this gene was reported in one individual with biotinidase deficiency (Table 1, Procter. 2016. PubMed ID: 26810761). This variant has not been reported in a large population database, indicating this variant is rare. Frameshift variants in BTD are expected to be pathogenic. This variant is interpreted as pathogenic.

New York Genome Center
Classification: Likely pathogenic for Biotinidase deficiency. Last evaluated: 2021-05-07. Review status: criteria provided, single submitter. Criteria: NYGC Assertion Criteria 2020. Collection method: clinical testing. Allele origin: germline. Observed: 1 heterozygote. Study: CSER-NYCKidSeq.

Natera, Inc.
Classification: Likely pathogenic for Biotinidase deficiency. Last evaluated: 2022-06-01. Review status: no assertion criteria provided. Collection method: clinical testing. Allele origin: germline. Not counted in ClinVar's aggregate classification.

Counsyl
Classification: Likely pathogenic for Biotinidase deficiency. Last evaluated: 2016-05-10. Review status: no assertion criteria provided. Collection method: clinical testing. Allele origin: unknown. Not counted in ClinVar's aggregate classification.

Literature cited by the submitters: PubMed 26810761 (cited by Labcorp Genetics (formerly Invitae), Labcorp and Counsyl); PubMed 25174816 (cited by Labcorp Genetics (formerly Invitae), Labcorp); PubMed 25967232 (cited by Labcorp Genetics (formerly Invitae), Labcorp); PubMed 28498829 (cited by Labcorp Genetics (formerly Invitae), Labcorp).